The following is an entry in ClinVar:

ClinVar aggregate classification (germline): Uncertain significance (1 of 4 stars; one submission).

Conditions:
Hereditary breast ovarian cancer syndrome. Also called: Hereditary breast and ovarian cancer syndrome (HBOC); Hereditary breast and ovarian cancer syndrome; Breast and ovarian cancer; Hereditary breast and/or ovarian cancer syndrome; Hereditary breast and ovarian cancer; BRCA1- and BRCA2-Associated Hereditary Breast and Ovarian Cancer. Identifiers: Orphanet 145, MedGen C0677776, MeSH D061325, MONDO:0003582. Disease mechanism: loss of function.

Submission:

Labcorp Genetics (formerly Invitae), Labcorp
Classification: Uncertain significance for Hereditary breast ovarian cancer syndrome. Last evaluated: 2017-04-03. Review status: criteria provided, single submitter. Criteria: Invitae Variant Classification Sherloc (09022015). Collection method: clinical testing. Allele origin: germline.
Comment: This sequence change deletes 6 nucleotides from exon 4 of the BRCA1 mRNA (c.185_190delCTTTAT). This leads to the deletion of 2 amino acid residues and the insertion of one amino acid residue in the BRCA1 protein (p.Pro62_Cys64delinsArg), but otherwise preserves the integrity of the reading frame. This variant is not present in population databases (ExAC no frequency) and has not been reported in the literature in individuals with a BRCA1-related disease. Experimental studies and prediction algorithms are not available for this variant. However, this variant affects the highly conserved Cys64 residue within the N-terminal RING domain of the BRCA1 protein (PMID: 22843421, 20029420). Three missense substitutions at this codon (p.Cys64Arg, p.Cys64Tyr, p.Cys64Gly) have been determined to be pathogenic (PMID: 24516540, 26246475, 11320250, 15131401, 7894491, 23867111). This suggests that the cysteine residue is critical for BRCA1 protein function and that other alterations of this residue may also be pathogenic. In summary, this is a novel variant with uncertain impact on protein function. While it affects a residue that has been shown to be important for protein function, without additional genetic or functional data it has been classified as a Variant of Uncertain Significance.

Literature cited by the submitters: PubMed 22843421; PubMed 20029420; PubMed 24516540; PubMed 26246475; PubMed 11320250; PubMed 15131401; PubMed 7894491; PubMed 23867111.

NM_007294.4(BRCA1):c.185_190del (p.Pro62_Cys64delinsArg)

Gene: BRCA1 (BRCA1 DNA repair associated; minus strand). Cytogenetic location: 17q21.31.
Variant type: Deletion.
Coding change: c.185_190del on transcript NM_007294.4 (MANE Select); coding-DNA positions 185 to 190, 6 bases deleted (CTTTAT; older notation c.185_190delCTTTAT).
Protein change: p.Pro62_Cys64delinsArg.
Molecular consequence: inframe indel. On other transcripts: non-coding transcript variant (1).
Genome position (GRCh38, 1-based): chr17:43,106,478-43,106,483, ATAAAG deleted on the plus strand (CTTTAT on the coding strand, the reverse complement: BRCA1 is on the minus strand). VCF-style (leftmost placement, unchanged base first): chr17-43106477-CATAAAG-C. GRCh37 (hg19) VCF-style: chr17-41258494-CATAAAG-C.
Other names: c.185_190delCTTTAT, p.Pro62_Cys64delinsArg (NM_001407597.1, NM_001407969.1, NM_001407971.1 and 166 more transcripts); c.-4_2delCTTTAT, p.Met(?_1)_Met1(?) (NM_001407571.1, NM_001407853.1, NM_001407879.1 and 58 more transcripts); c.44_49delCTTTAT, p.Pro15_Cys17delinsArg (NM_001407692.1, NM_001407694.1, NM_001407695.1 and 98 more transcripts); c.44_49del, p.Pro15_Cys17delinsArg (NM_007297.4); c.185_190del, p.Pro62_Cys64delinsArg (NM_007299.4, NM_007300.4).
Identifiers: ClinVar variation 462570 (VCV000462570.8), dbSNP rs1555597224, ClinGen allele CA658656676.